The following is an entry in ClinVar:

NM_001164508.2(NEB):c.9620G>T (p.Arg3207Leu)

Gene: NEB (nebulin; minus strand). Cytogenetic location: 2q23.3.
Variant type: single nucleotide variant.
Coding change: c.9620G>T on transcript NM_001164508.2 (MANE Select); coding-DNA position 9620, G replaced by T.
Protein change: p.Arg3207Leu; replaces arginine 3207 with leucine.
Molecular consequence: missense variant.
Genome position (GRCh38, 1-based): chr2:151,630,818, C>A on the plus strand (G>T on the coding strand, the complement: NEB is on the minus strand). VCF-style: chr2-151630818-C-A. GRCh37 (hg19) VCF-style: chr2-152487332-C-A.
Other names: c.9620G>T, p.Arg3207Leu (NM_001164507.2, NM_001271208.2); c.8891G>T, p.Arg2964Leu (NM_004543.5); short protein forms R2964L, R3207L.
Identifiers: ClinVar variation 665888 (VCV000665888.8), dbSNP rs111841612, ClinGen allele CA348799255.

ClinVar aggregate classification (germline): Uncertain significance (1 of 4 stars; one submission).

Conditions:
Nemaline myopathy 2 (NEM2). Also called: Nemaline myopathy 2, autosomal recessive. Identifiers: MedGen C1850569, MONDO:0009725, OMIM 256030.

Submission:

Labcorp Genetics (formerly Invitae), Labcorp
Classification: Uncertain significance for Nemaline myopathy 2. Last evaluated: 2022-02-03. Review status: criteria provided, single submitter. Criteria: Invitae Variant Classification Sherloc (09022015). Collection method: clinical testing. Allele origin: germline.
Comment: This variant has not been reported in the literature in individuals affected with NEB-related conditions. This sequence change replaces arginine, which is basic and polar, with leucine, which is neutral and non-polar, at codon 3207 of the NEB protein (p.Arg3207Leu). This variant is not present in population databases (gnomAD no frequency). ClinVar contains an entry for this variant (Variation ID: 665888). Algorithms developed to predict the effect of missense changes on protein structure and function are either unavailable or do not agree on the potential impact of this missense change (SIFT: "Deleterious"; PolyPhen-2: "Not Available"; Align-GVGD: "Class C0"). In summary, the available evidence is currently insufficient to determine the role of this variant in disease. Therefore, it has been classified as a Variant of Uncertain Significance.